The following is an entry in ClinVar:

NM_001267550.2(TTN):c.27305G>T (p.Cys9102Phe)

Gene: TTN (titin; minus strand). Cytogenetic location: 2q31.2.
Variant type: single nucleotide variant.
Coding change: c.27305G>T on transcript NM_001267550.2 (MANE Select); coding-DNA position 27305, G replaced by T.
Protein change: p.Cys9102Phe; replaces cysteine 9102 with phenylalanine.
Molecular consequence: missense variant. On other transcripts: intron variant (3).
Genome position (GRCh38, 1-based): chr2:178,712,720, C>A on the plus strand (G>T on the coding strand, the complement: TTN is on the minus strand). VCF-style: chr2-178712720-C-A. GRCh37 (hg19) VCF-style: chr2-179577447-C-A.
Other names: c.26354G>T, p.Cys8785Phe (NM_001256850.1); c.23573G>T, p.Cys7858Phe (NM_133378.4); c.13282+25362G>T (NM_003319.4); c.13858+25362G>T (NM_133437.4); c.13657+25362G>T (NM_133432.3); short protein forms C7858F, C8785F, C9102F.
Identifiers: ClinVar variation 4072446 (VCV004072446.1).

ClinVar aggregate classification (germline): Uncertain significance (1 of 4 stars; one submission).

gnomAD v4.1: 1 of 1,613,668 alleles (0.000062%); highest among the groups gnomAD compares: Non-Finnish European, 0.000085%; no homozygotes.

Submission:

GeneDx
Classification: Uncertain significance. Last evaluated: 2025-01-30. Review status: criteria provided, single submitter. Criteria: GeneDx Variant Classification Process June 2021. Collection method: clinical testing. Allele origin: germline. Affected: yes.
Comment: Not observed at significant frequency in large population cohorts (gnomAD); Missense variant in a gene in which most reported pathogenic variants are truncating/loss of function; Has not been previously published as pathogenic or benign to our knowledge